The following is an entry in ClinVar:

NM_000744.7(CHRNA4):c.1051A>G (p.Ile351Val)

Gene: CHRNA4 (cholinergic receptor nicotinic alpha 4 subunit; minus strand). Cytogenetic location: 20q13.33.
Variant type: single nucleotide variant.
Coding change: c.1051A>G on transcript NM_000744.7 (MANE Select); coding-DNA position 1051, A replaced by G.
Protein change: p.Ile351Val; replaces isoleucine 351 with valine.
Molecular consequence: missense variant. On other transcripts: non-coding transcript variant (1).
Genome position (GRCh38, 1-based): chr20:63,350,360, T>C on the plus strand (A>G on the coding strand, the complement: CHRNA4 is on the minus strand). VCF-style: chr20-63350360-T-C. GRCh37 (hg19) VCF-style: chr20-61981712-T-C.
Other names: c.523A>G, p.Ile175Val (NM_001256573.2); short protein forms I175V, I351V.
Identifiers: ClinVar variation 2919633 (VCV002919633.3), dbSNP rs2068572122, ClinGen allele CA409635368.

ClinVar aggregate classification (germline): Uncertain significance (1 of 4 stars; one submission).

Conditions:
Familial sleep-related hypermotor epilepsy. Also called: Autosomal Dominant Sleep-Related Hypermotor (Hyperkinetic) Epilepsy. Identifiers: Orphanet 98784, MedGen C3696898, MONDO:0000030.

Submission:

Labcorp Genetics (formerly Invitae), Labcorp
Classification: Uncertain significance. Last evaluated: 2023-05-20. Review status: criteria provided, single submitter. Criteria: Invitae Variant Classification Sherloc (09022015). Collection method: clinical testing. Allele origin: germline.
Comment: This variant is not present in population databases (gnomAD no frequency). In summary, the available evidence is currently insufficient to determine the role of this variant in disease. Therefore, it has been classified as a Variant of Uncertain Significance. Advanced modeling of protein sequence and biophysical properties (such as structural, functional, and spatial information, amino acid conservation, physicochemical variation, residue mobility, and thermodynamic stability) performed at Invitae indicates that this missense variant is not expected to disrupt CHRNA4 protein function. This variant has not been reported in the literature in individuals affected with CHRNA4-related conditions. This sequence change replaces isoleucine, which is neutral and non-polar, with valine, which is neutral and non-polar, at codon 351 of the CHRNA4 protein (p.Ile351Val).